The following is an entry in ClinVar:

NM_001267550.2(TTN):c.47332A>T (p.Thr15778Ser)

Genes: TTN (titin; minus strand), TTN-AS1 (TTN antisense RNA 1; plus strand). Cytogenetic location: 2q31.2.
Variant type: single nucleotide variant.
Coding change: c.47332A>T on transcript NM_001267550.2 (MANE Select); coding-DNA position 47332, A replaced by T.
Protein change: p.Thr15778Ser; replaces threonine 15778 with serine.
Molecular consequence: missense variant.
Genome position (GRCh38, 1-based): chr2:178,618,019, T>A on the plus strand (A>T on the coding strand, the complement: TTN is on the minus strand). VCF-style: chr2-178618019-T-A. GRCh37 (hg19) VCF-style: chr2-179482746-T-A.
Other names: c.42409A>T, p.Thr14137Ser (NM_001256850.1); c.20137A>T, p.Thr6713Ser (NM_003319.4); c.39628A>T, p.Thr13210Ser (NM_133378.4); c.20512A>T, p.Thr6838Ser (NM_133432.3); c.20713A>T, p.Thr6905Ser (NM_133437.4); short protein forms T13210S, T15778S, T14137S, T6838S, T6905S, T6713S.
Identifiers: ClinVar variation 595940 (VCV000595940.6), dbSNP rs1292014251, ClinGen allele CA349617916.

ClinVar aggregate classification (germline): Uncertain significance. Review status: criteria provided, multiple submitters, no conflicts (2 of 4 stars). 2 submissions from 2 submitters: Uncertain significance (2). Last evaluated 2026-05-19.

Conditions:
TTN-related disorder. Also called: TTN-related condition; TTN-related disease; TTN-related disorders.

Allele frequency attached by ClinVar (database versions not stated): gnomAD exomes below 0.00001; gnomAD 0.00001; TOPMed 0.00001.
gnomAD v4.1: 3 of 1,612,416 alleles (0.00019%); highest among the groups gnomAD compares: African/African-American, 0.004%; no homozygotes.

Submissions (2):

PreventionGenetics, part of Exact Sciences
Classification: Uncertain significance for TTN-related condition. Last evaluated: 2026-05-19. Review status: criteria provided, single submitter. Criteria: ACMG Guidelines, 2015. Collection method: clinical testing. Allele origin: germline.
Comment: The TTN c.47332A>T variant is predicted to result in the amino acid substitution p.Thr15778Ser. To our knowledge, this variant has not been reported in the literature. This variant is reported in 0.0065% of alleles in individuals of African descent in gnomAD. At this time, the clinical significance of this variant is uncertain due to the absence of conclusive functional and genetic evidence.

Eurofins Ntd Llc (ga)
Classification: Uncertain significance. Last evaluated: 2018-01-31. Review status: criteria provided, single submitter. Criteria: EGL Classification Definitions 2015. Collection method: clinical testing. Allele origin: germline. Observed: 1 variant allele, 1 heterozygote.